The following is an entry in ClinVar:

ClinVar aggregate classification (germline): Uncertain significance (1 of 4 stars; one submission).

gnomAD v4.1: 19 of 1,609,918 alleles (0.0012%); highest among the groups gnomAD compares: African/African-American, 0.0027%; no homozygotes.

Submission:

Ambry Genetics
Classification: Uncertain significance. Last evaluated: 2024-08-12. Review status: criteria provided, single submitter. Criteria: Ambry Variant Classification Scheme 2023. Collection method: clinical testing. Allele origin: germline.
Comment: The p.K120Q variant (also known as c.358A>C), located in coding exon 1 of the EGLN2 gene, results from an A to C substitution at nucleotide position 358. The lysine at codon 120 is replaced by glutamine, an amino acid with similar properties. This amino acid position is conserved. In addition, this alteration is predicted to be tolerated by in silico analysis. Based on the available evidence, the clinical significance of this variant remains unclear.

NM_080732.4(EGLN2):c.358A>C (p.Lys120Gln)

Genes: EGLN2 (egl-9 family hypoxia inducible factor 2; plus strand), RAB4B-EGLN2 (RAB4B-EGLN2 readthrough (NMD candidate); plus strand). Cytogenetic location: 19q13.2.
Variant type: single nucleotide variant.
Coding change: c.358A>C on transcript NM_080732.4 (MANE Select); coding-DNA position 358, A replaced by C.
Protein change: p.Lys120Gln; replaces lysine 120 with glutamine.
Molecular consequence: missense variant. On other transcripts: non-coding transcript variant (1).
Genome position (GRCh38, 1-based): chr19:40,800,930, A>C. VCF-style: chr19-40800930-A-C. GRCh37 (hg19) VCF-style: chr19-41306835-A-C.
Other names: c.358A>C, p.Lys120Gln (NM_053046.4); short protein forms K120Q.
Identifiers: ClinVar variation 3507252 (VCV003507252.1).